The following is an entry in ClinVar:

ClinVar aggregate classification (germline): Likely pathogenic. Review status: criteria provided, multiple submitters, no conflicts (2 of 4 stars). 4 submissions from 3 submitters: Likely pathogenic (4). Last evaluated 2025-04-21.

Conditions:
Congenital myotonia, autosomal recessive form. Also called: BECKER DISEASE; Becker Generalized Myotonia; myotonia congenita, autosomal recessive. Identifiers: Orphanet 614, MedGen C0751360, MONDO:0009715, OMIM 255700.
Congenital myotonia, autosomal dominant form (THD). Also called: THOMSEN DISEASE; Myotonia congenita autosomal dominant. Identifiers: Orphanet 614, MedGen C2936781, MONDO:0008055, OMIM 160800.
Metachromatic leukodystrophy (MLD). Also called: Cerebral sclerosis diffuse metachromatic form; Arylsulfatase A Deficiency; ARSA DEFICIENCY; CEREBROSIDE SULFATASE DEFICIENCY; METACHROMATIC LEUKOENCEPHALOPATHY; SULFATIDE LIPIDOSIS. Identifiers: Orphanet 512, MedGen C0023522, MONDO:0018868, OMIM 250100.

gnomAD v4.1: 6 of 1,611,518 alleles (0.00037%); highest among the groups gnomAD compares: Non-Finnish European, 0.00051%; no homozygotes.

Submissions (4):

Labcorp Genetics (formerly Invitae), Labcorp
Classification: Likely pathogenic for Congenital myotonia, autosomal recessive form; Congenital myotonia, autosomal dominant form. Last evaluated: 2025-04-21. Review status: criteria provided, single submitter. Criteria: Invitae Variant Classification Sherloc (09022015). Collection method: clinical testing. Allele origin: germline.
Comment: This sequence change replaces alanine, which is neutral and non-polar, with serine, which is neutral and polar, at codon 331 of the CLCN1 protein (p.Ala331Ser). This variant is not present in population databases (gnomAD no frequency). This missense change has been observed in individual(s) with clinical features of myotonia congenita (PMID: 34529042; internal data). In at least one individual the data is consistent with being in trans (on the opposite chromosome) from a pathogenic variant. ClinVar contains an entry for this variant (Variation ID: 2921633). Invitae Evidence Modeling of protein sequence and biophysical properties (such as structural, functional, and spatial information, amino acid conservation, physicochemical variation, residue mobility, and thermodynamic stability) indicates that this missense variant is expected to disrupt CLCN1 protein function with a positive predictive value of 95%. Experimental studies have shown that this missense change affects CLCN1 function (PMID: 34529042). Algorithms developed to predict the effect of sequence changes on RNA splicing suggest that this variant may create or strengthen a splice site. In summary, the currently available evidence indicates that the variant is pathogenic, but additional data are needed to prove that conclusively. Therefore, this variant has been classified as Likely Pathogenic.

Fulgent Genetics
Classification: Likely pathogenic for Congenital myotonia, autosomal dominant form; Congenital myotonia, autosomal recessive form. Last evaluated: 2024-03-26. Review status: criteria provided, single submitter. Criteria: ACMG Guidelines, 2015. Collection method: clinical testing. Allele origin: germline.

Women's Health and Genetics/Laboratory Corporation of America, LabCorp
Classification: Likely pathogenic for Congenital myotonia, autosomal recessive form. Last evaluated: 2024-03-21. Review status: criteria provided, single submitter. Criteria: LabCorp Variant Classification Summary - May 2015. Collection method: clinical testing. Allele origin: germline.
Comment: Variant summary: CLCN1 c.991G>T (p.Ala331Ser) results in a conservative amino acid change in the encoded protein sequence. Three of five in-silico tools predict a damaging effect of the variant on protein function. The variant was absent in 251486 control chromosomes. c.991G>T has been reported in the literature in at-least one individuals affected with autosomal recessive Myotonia congenita (Suetterlin_2022). These data do not allow any conclusion about variant significance. At least one publication reports experimental evidence evaluating an impact on protein function. The most pronounced variant effect results in reduced rates of activation and a right-shift hyperpolarizing pre-pulse comparing to WT CLCN1 channel when expressed in Xenopus oocytes (Suetterlin_2022). The following publication have been ascertained in the context of this evaluation (PMID: 34529042). ClinVar contains an entry for this variant (Variation ID: 2921633). Based on the evidence outlined above, the variant was classified as likely pathogenic.

Women's Health and Genetics/Laboratory Corporation of America, LabCorp
Classification: Likely pathogenic for Metachromatic leukodystrophy. Last evaluated: 2024-03-21. Review status: criteria provided, single submitter. Criteria: LabCorp Variant Classification Summary - May 2015. Collection method: clinical testing. Allele origin: germline.
Comment: Variant summary: ARSA c.991G>T (p.Glu331X) results in a premature termination codon, predicted to cause a truncation of the encoded protein or absence of the protein due to nonsense mediated decay, which are commonly known mechanisms for disease. The variant was absent in 212420 control chromosomes (gnomAD). c.991G>T has been reported in the literature in at least an individual affected with Metachromatic Leukodystrophy (Bertelli_2005). These data do not allow any conclusion about variant significance. ARSA activity from patient (who was compound heterozygous for the variant) derived leukocytes was found to be 6.7nm/h/mg (Bertelli_2005). One ClinVar submitter (evaluation after 2014) cite the variant as likely pathogenic. Based on the evidence outlined above, the variant was classified as likely pathogenic.

Literature cited by the submitters: PubMed 34529042 (cited by Labcorp Genetics (formerly Invitae), Labcorp and Women's Health and Genetics/Laboratory Corporation of America, LabCorp).

NM_000083.3(CLCN1):c.991G>T (p.Ala331Ser)

Gene: CLCN1 (chloride voltage-gated channel 1; plus strand). Cytogenetic location: 7q34.
Variant type: single nucleotide variant.
Coding change: c.991G>T on transcript NM_000083.3 (MANE Select); coding-DNA position 991, G replaced by T.
Protein change: p.Ala331Ser; replaces alanine 331 with serine.
Molecular consequence: missense variant. On other transcripts: non-coding transcript variant (1).
Genome position (GRCh38, 1-based): chr7:143,331,243, G>T. VCF-style: chr7-143331243-G-T. GRCh37 (hg19) VCF-style: chr7-143028336-G-T.
Other names: short protein forms A331S.
Identifiers: ClinVar variation 2921633 (VCV002921633.7), dbSNP rs2487058978, ClinGen allele CA369641786.
Genomic context (GRCh38, chr7:143,331,243, plus strand): 5'-TGGGTTTCTACGAAGCTCCCATCGTAATACTGGCCTTTCCATCCTACAGTCACCATCACT[G>T]CTCTGTTCAGAACCAATTTCCGAATGGATTTCCCCTTTGACCTGAAGGAACTACCAGCTT-3'
Protein context (NP_000074.3, residues 321-341): VWNKDAVTIT[Ala331Ser]LFRTNFRMDF